The following is an entry in ClinVar:

NM_194454.3(KRIT1):c.917G>A (p.Arg306His)

Gene: KRIT1 (KRIT1 ankyrin repeat containing; minus strand). Cytogenetic location: 7q21.2.
Variant type: single nucleotide variant.
Coding change: c.917G>A on transcript NM_194454.3 (MANE Select); coding-DNA position 917, G replaced by A.
Protein change: p.Arg306His; replaces arginine 306 with histidine.
Molecular consequence: missense variant. On other transcripts: intron variant (3).
Genome position (GRCh38, 1-based): chr7:92,234,521, C>T on the plus strand (G>A on the coding strand, the complement: KRIT1 is on the minus strand). VCF-style: chr7-92234521-C-T. GRCh37 (hg19) VCF-style: chr7-91863835-C-T.
Other names: c.917G>A, p.Arg306His (NM_001350686.1, NM_001350687.1, NM_001350688.1 and 26 more transcripts); c.203G>A, p.Arg68His (NM_001350671.1); c.845+287G>A (NM_001350669.1, NM_001013406.2, NM_001350670.1); short protein forms R306H, R68H.
Identifiers: ClinVar variation 1766073 (VCV001766073.5), dbSNP rs916184603, ClinGen allele CA161909961.

ClinVar aggregate classification (germline): Uncertain significance. Review status: criteria provided, multiple submitters, no conflicts (2 of 4 stars). 2 submissions from 2 submitters: Uncertain significance (2). Last evaluated 2026-01-20.

Conditions:
Inborn genetic diseases. Identifiers: MedGen C0950123, MeSH D030342.
Cerebral cavernous malformation (CCM). Also called: Cavernous Hemangioma of Brain; CAVERNOUS ANGIOMA, FAMILIAL; CAVERNOUS ANGIOMATOUS MALFORMATIONS; CEREBRAL CAPILLARY MALFORMATIONS; Cerebral cavernous hemangioma (type); Cerebral cavernous malformations. Identifiers: Orphanet 221061, MedGen C2919945, MONDO:0000820, OMIM 116860, HP:0033522.

Allele frequency attached by ClinVar (database versions not stated): gnomAD exomes 0.00001; gnomAD 0.00002; TOPMed 0.00005.

Submissions (2):

Ambry Genetics
Classification: Uncertain significance for Inborn genetic diseases. Last evaluated: 2026-01-20. Review status: criteria provided, single submitter. Criteria: Ambry Variant Classification Scheme 2023. Collection method: clinical testing. Allele origin: germline.
Comment: The c.917G>A (p.R306H) alteration is located in exon 11 (coding exon 7) of the KRIT1 gene. This alteration results from a G to A substitution at nucleotide position 917, causing the arginine (R) at amino acid position 306 to be replaced by a histidine (H). Based on data from gnomAD, the A allele has an overall frequency of <0.001% (1/251402) total alleles studied. The highest observed frequency was 0.001% (1/113700) of European (non-Finnish) alleles. Based on insufficient or conflicting evidence, the clinical significance of this alteration remains unclear.

Labcorp Genetics (formerly Invitae), Labcorp
Classification: Uncertain significance for Cerebral cavernous malformation. Last evaluated: 2025-09-20. Review status: criteria provided, single submitter. Criteria: Invitae Variant Classification Sherloc (09022015). Collection method: clinical testing. Allele origin: germline.
Comment: This sequence change replaces arginine, which is basic and polar, with histidine, which is basic and polar, at codon 306 of the KRIT1 protein (p.Arg306His). This variant is present in population databases (no rsID available, gnomAD 0.0009%). This variant has not been reported in the literature in individuals affected with KRIT1-related conditions. ClinVar contains an entry for this variant (Variation ID: 1766073). Invitae Evidence Modeling of protein sequence and biophysical properties (such as structural, functional, and spatial information, amino acid conservation, physicochemical variation, residue mobility, and thermodynamic stability) indicates that this missense variant is not expected to disrupt KRIT1 protein function with a negative predictive value of 80%. In summary, the available evidence is currently insufficient to determine the role of this variant in disease. Therefore, it has been classified as a Variant of Uncertain Significance.